The following is an entry in ClinVar:

NM_001458.5(FLNC):c.2134del (p.Cys712fs)

Genes: FLNC (filamin C; plus strand), LOC129999273 (ATAC-STARR-seq lymphoblastoid silent region 18616; plus strand). Cytogenetic location: 7q32.1.
Variant type: Deletion.
Coding change: c.2134del on transcript NM_001458.5 (MANE Select); coding-DNA position 2134, one base deleted (T; older notation c.2134delT).
Protein change: p.Cys712fs; shifts the reading frame from cysteine 712.
Molecular consequence: frameshift variant.
Genome position (GRCh38, 1-based): chr7:128,842,243, T deleted. VCF-style (leftmost placement, unchanged base first): chr7-128842242-CT-C. GRCh37 (hg19) VCF-style: chr7-128482296-CT-C.
Other names: c.2134del, p.Cys712fs (NM_001127487.2); short protein forms C712fs.
Identifiers: ClinVar variation 4812565 (VCV004812565.1).

ClinVar aggregate classification (germline): Pathogenic (1 of 4 stars; one submission).

Conditions:
Hypertrophic cardiomyopathy 26. Also called: Cardiomyopathy, familial hypertrophic, 26. Identifiers: Orphanet 75249, MedGen C4310749, MONDO:0014883, OMIM 617047.
Myofibrillar myopathy 5. Also called: Filaminopathy (type); FILAMINOPATHY, AUTOSOMAL DOMINANT. Identifiers: Orphanet 171445, MedGen C1836050, MONDO:0012289, OMIM 609524.
Distal myopathy with posterior leg and anterior hand involvement. Also called: WILLIAMS DISTAL MYOPATHY. Identifiers: Orphanet 63273, MedGen C3279722, MONDO:0013550, OMIM 614065.

Submission:

Labcorp Genetics (formerly Invitae), Labcorp
Classification: Pathogenic for Distal myopathy with posterior leg and anterior hand involvement; Myofibrillar myopathy 5; Hypertrophic cardiomyopathy 26. Last evaluated: 2025-12-12. Review status: criteria provided, single submitter. Criteria: Invitae Variant Classification Sherloc (09022015). Collection method: clinical testing. Allele origin: germline.
Comment: This sequence change creates a premature translational stop signal (p.Cys712Valfs*7) in the FLNC gene. It is expected to result in an absent or disrupted protein product. Loss-of-function variants in FLNC are known to be pathogenic (PMID: 27908349). This variant is not present in population databases (gnomAD no frequency). This variant has not been reported in the literature in individuals affected with FLNC-related conditions. For these reasons, this variant has been classified as Pathogenic.

Literature cited by the submitters: PubMed 27908349.